The following is an entry in ClinVar:

ClinVar aggregate classification (germline): Likely benign (1 of 4 stars; one submission).

gnomAD v4.1: 2 of 1,614,134 alleles (0.00012%); highest among the groups gnomAD compares: Non-Finnish European, 0.00017%; no homozygotes.

Submission:

CeGaT Center for Human Genetics Tuebingen
Classification: Likely benign. Last evaluated: 2022-10-01. Review status: criteria provided, single submitter. Criteria: CeGaT Center For Human Genetics Tuebingen Variant Classification Criteria Version 2. Collection method: clinical testing. Allele origin: germline. Affected: yes. Observed: 1 variant allele.
Comment: CTPS1: PM2:Supporting, BP4, BP7

NM_001905.4(CTPS1):c.1683C>G (p.Leu561=)

Gene: CTPS1 (CTP synthase 1; plus strand). Cytogenetic location: 1p34.2.
Variant type: single nucleotide variant.
Coding change: c.1683C>G on transcript NM_001905.4 (MANE Select); coding-DNA position 1683, C replaced by G.
Protein change: p.Leu561=; no amino-acid change (leucine 561 retained).
Molecular consequence: synonymous variant. On other transcripts: non-coding transcript variant (1).
Genome position (GRCh38, 1-based): chr1:41,009,581, C>G. VCF-style: chr1-41009581-C-G. GRCh37 (hg19) VCF-style: chr1-41475253-C-G.
Other names: c.1215C>G, p.Leu405= (NM_001301237.2).
Identifiers: ClinVar variation 2638726 (VCV002638726.24), dbSNP rs2524362153, ClinGen allele CA417364391.